The following is an entry in ClinVar:

NM_001349338.3(FOXP1):c.1095G>T (p.Met365Ile)

Gene: FOXP1 (forkhead box P1; minus strand). Cytogenetic location: 3p13.
Variant type: single nucleotide variant.
Coding change: c.1095G>T on transcript NM_001349338.3 (MANE Select); coding-DNA position 1095, G replaced by T.
Protein change: p.Met365Ile; replaces methionine 365 with isoleucine.
Molecular consequence: missense variant. On other transcripts: non-coding transcript variant (2).
Genome position (GRCh38, 1-based): chr3:70,988,045, C>A on the plus strand (G>T on the coding strand, the complement: FOXP1 is on the minus strand). VCF-style: chr3-70988045-C-A. GRCh37 (hg19) VCF-style: chr3-71037196-C-A.
Other names: c.1095G>T, p.Met365Ile (NM_001244808.3, NM_001244810.2, NM_001244814.3 and 4 more transcripts); c.867G>T, p.Met289Ile (NM_001244812.3); c.795G>T, p.Met265Ile (NM_001244813.3, NM_001244815.2, NM_001349342.3 and 1 more transcripts); c.792G>T, p.Met264Ile (NM_001349337.2, NM_001349343.3, NM_001349344.3); c.1092G>T, p.Met364Ile (NM_001349341.3); short protein forms M264I, M265I, M289I, M364I, M365I.
Identifiers: ClinVar variation 2663243 (VCV002663243.2), dbSNP rs868431423, ClinGen allele CA353494697.
Genomic context (GRCh38, chr3:70,988,045, plus strand): 5'-AATACTTACGGGCTGAGGGGCGGCTTTGGGTTCTGTAGACTTCACATGCAGGTGGGTCAT[C>A]ATGGCTTGCAGGCGTTCTTTGTCTTTTGCAAGCTGGCAAGAAGAAAATGCTTTGTTATTT-3'
Protein context (NP_001336267.1, residues 355-375): LAKDKERLQA[Met365Ile]MTHLHVKSTE

ClinVar aggregate classification (germline): Uncertain significance (1 of 4 stars; one submission).

Allele frequency attached by ClinVar (database versions not stated): TOPMed below 0.00001.

Submission:

GeneDx
Classification: Uncertain significance. Last evaluated: 2026-09-02. Review status: criteria provided, single submitter. Criteria: GeneDx Variant Classification Process June 2021. Collection method: clinical testing. Allele origin: germline.
Comment: Not observed at significant frequency in large population cohorts (gnomAD); In silico analysis supports that this missense variant has a deleterious effect on protein structure/function; Has not been previously published as pathogenic or benign to our knowledge